The following is an entry in ClinVar:

NM_016589.4(TIMMDC1):c.194+2T>C

Gene: TIMMDC1 (translocase of inner mitochondrial membrane domain containing 1; plus strand). Cytogenetic location: 3q13.33.
Variant type: single nucleotide variant.
Coding change: c.194+2T>C on transcript NM_016589.4 (MANE Select); the canonical splice donor site of the intron after coding-DNA position 194, T replaced by C.
Molecular consequence: splice donor variant.
Genome position (GRCh38, 1-based): chr3:119,498,929, T>C. VCF-style: chr3-119498929-T-C. GRCh37 (hg19) VCF-style: chr3-119217776-T-C.
Identifiers: ClinVar variation 2501222 (VCV002501222.1), dbSNP rs2473061411, ClinGen allele CA354053906.
Genomic context (GRCh38, chr3:119,498,929, plus strand): 5'-CCAGAGCCCTATTACCCGGAATCTGGATGGGACCGCCTCCGGGAGCTGTTTGGCAAAGAG[T>C]AAAAGTGCCTAGGGTGTGAAGTGGGGTAGGGGGCCGCGAAAGCGGTGTCCTGCAGCGTGG-3'

ClinVar aggregate classification (germline): Likely pathogenic (1 of 4 stars; one submission).

Conditions:
Mitochondrial complex I deficiency, nuclear type 31. Also called: Mitochondrial complex 1 deficiency, nuclear type 31. Identifiers: MedGen C4748838, MONDO:0032634, OMIM 618251.

Submission:

Women's Health and Genetics/Laboratory Corporation of America, LabCorp
Classification: Likely pathogenic for Mitochondrial complex I deficiency, nuclear type 31. Last evaluated: 2023-03-28. Review status: criteria provided, single submitter. Criteria: LabCorp Variant Classification Summary - May 2015. Collection method: clinical testing. Allele origin: germline.
Comment: Variant summary: C3orf1 (TIMMDC1) c.194+2T>C is located in a canonical splice-site and is predicted to affect mRNA splicing resulting in a significantly altered protein due to either exon skipping, shortening, or inclusion of intronic material. The variant was absent in 250236 control chromosomes. To our knowledge, no occurrence of c.194+2T>C in individuals affected with Mitochondrial Complex 1 Deficiency, Nuclear Type 31 and no experimental evidence demonstrating its impact on protein function have been reported. No clinical diagnostic laboratories have submitted clinical-significance assessments for this variant to ClinVar after 2014. Based on the evidence outlined above, the variant was classified as likely pathogenic.